The following is an entry in ClinVar:

NM_024426.6(WT1):c.784+6C>T

Gene: WT1 (WT1 transcription factor; minus strand). Cytogenetic location: 11p13.
Variant type: single nucleotide variant.
Coding change: c.784+6C>T on transcript NM_024426.6 (MANE Select); 6 bases into the intron after coding-DNA position 784, C replaced by T.
Molecular consequence: intron variant.
Genome position (GRCh38, 1-based): chr11:32,428,491, G>A on the plus strand (C>T on the coding strand, the complement: WT1 is on the minus strand). VCF-style: chr11-32428491-G-A. GRCh37 (hg19) VCF-style: chr11-32450037-G-A.
Other names: c.662-433C>T (NM_001407050.1, NM_001407047.1); c.784+6C>T (NM_001407048.1, NM_001407049.1, NM_000378.6 and 4 more transcripts); c.22+6C>T (NM_001407051.1); c.133+6C>T (NM_001198552.2, NM_001198551.2).
Identifiers: ClinVar variation 662058 (VCV000662058.23), dbSNP rs1455790542, ClinGen allele CA598396165.
Genomic context (GRCh38, chr11:32,428,491, plus strand): 5'-TCCTGGGGGAGAGGAGGATAGCACGGAAGAAGGGGAGAAGGACTCCACTTGGTTCCGCTC[G>A]CTTACCCAGCGAGCCCTGCTGGCCCATGGGATCCTCATGCTTGAATGAGTGGTTGGGGAA-3'

ClinVar aggregate classification (germline): Conflicting classifications of pathogenicity. Review status: criteria provided, conflicting classifications (1 of 4 stars). 3 submissions from 3 submitters: Uncertain significance (2); Benign (1). Last evaluated 2024-05-13.

Conditions:
Frasier syndrome. Identifiers: Orphanet 347, MedGen C0950122, MeSH D052159, MONDO:0007635, OMIM 136680.
Drash syndrome (DDS). Also called: WILMS TUMOR AND PSEUDO- OR TRUE HERMAPHRODITISM; NEPHROPATHY, WILMS TUMOR, AND GENITAL ANOMALIES. Identifiers: Orphanet 220, MedGen C0950121, MONDO:0008682, OMIM 194080.
Wilms tumor 1 (WT1). Also called: Wilms tumor, somatic. Identifiers: Orphanet 654, MedGen CN033288, MONDO:0008679, OMIM 194070.
11p partial monosomy syndrome (WAGR). Also called: CHROMOSOME 11p13 DELETION SYNDROME; WAGR Complex; WAGR Spectrum Disorder; WAGR syndrome. Identifiers: Orphanet 893, MedGen C0206115, MONDO:0008681, OMIM 194072.
Mesothelioma, malignant (MESOM). Also called: Malignant mesothelioma (disease). Identifiers: Orphanet 50251, MedGen C0345967, MONDO:0006292, OMIM 156240, HP:0100001.
Meacham syndrome. Also called: Meacham Winn Culler syndrome. Identifiers: Orphanet 3097, MedGen C1837026, MONDO:0012164, OMIM 608978.
Nephrotic syndrome, type 4 (NPHS4). Also called: Familial mesangial sclerosis; Nephrotic syndrome, early onset with diffuse mesangial sclerosis. Identifiers: Orphanet 656, MedGen C3151568, MONDO:0009733, OMIM 256370.

Allele frequency attached by ClinVar (database versions not stated): TOPMed below 0.00001.
gnomAD v4.1: 2 of 1,614,024 alleles (0.00012%); highest among the groups gnomAD compares: African/African-American, 0.0027%; no homozygotes.

Submissions (3):

Labcorp Genetics (formerly Invitae), Labcorp
Classification: Uncertain significance for Wilms tumor 1; Drash syndrome; 11p partial monosomy syndrome; Frasier syndrome. Last evaluated: 2024-05-13. Review status: criteria provided, single submitter. Criteria: Invitae Variant Classification Sherloc (09022015). Collection method: clinical testing. Allele origin: germline.
Comment: This sequence change falls in intron 2 of the WT1 gene. It does not directly change the encoded amino acid sequence of the WT1 protein. It affects a nucleotide within the consensus splice site. This variant is not present in population databases (gnomAD no frequency). This variant has not been reported in the literature in individuals affected with WT1-related conditions. ClinVar contains an entry for this variant (Variation ID: 662058). Variants that disrupt the consensus splice site are a relatively common cause of aberrant splicing (PMID: 17576681, 9536098). Algorithms developed to predict the effect of sequence changes on RNA splicing suggest that this variant is not likely to affect RNA splicing. In summary, the available evidence is currently insufficient to determine the role of this variant in disease. Therefore, it has been classified as a Variant of Uncertain Significance.

Fulgent Genetics
Classification: Uncertain significance for Frasier syndrome; Mesothelioma, malignant; Wilms tumor 1; Drash syndrome; Nephrotic syndrome, type 4; Meacham syndrome. Last evaluated: 2023-12-29. Review status: criteria provided, single submitter. Criteria: ACMG Guidelines, 2015. Collection method: clinical testing. Allele origin: germline.

Mendelics
Classification: Benign. Last evaluated: 2022-05-04. Review status: criteria provided, single submitter. Criteria: Mendelics Assertion Criteria 2019. Collection method: clinical testing. Allele origin: germline.

Literature cited by the submitters: PubMed 17576681 (cited by Labcorp Genetics (formerly Invitae), Labcorp); PubMed 9536098 (cited by Labcorp Genetics (formerly Invitae), Labcorp).